The following is an entry in ClinVar:

ClinVar aggregate classification (germline): Uncertain significance (1 of 4 stars; one submission).

Conditions:
Early-infantile DEE. Also called: Early infantile epileptic encephalopathy; Early infantile epileptic encephalopathy with suppression bursts; Ohtahara syndrome. Identifiers: Orphanet 1934, MedGen C0393706, MONDO:0800491.

gnomAD v4.1: 2 of 1,603,934 alleles (0.00012%); highest among the groups gnomAD compares: South Asian, 0.0022%; no homozygotes.

Submission:

Labcorp Genetics (formerly Invitae), Labcorp
Classification: Uncertain significance for Early-infantile DEE. Last evaluated: 2022-10-25. Review status: criteria provided, single submitter. Criteria: Invitae Variant Classification Sherloc (09022015). Collection method: clinical testing. Allele origin: germline.
Comment: This variant is present in population databases (no rsID available, gnomAD 0.007%). In summary, the available evidence is currently insufficient to determine the role of this variant in disease. Therefore, it has been classified as a Variant of Uncertain Significance. Advanced modeling of protein sequence and biophysical properties (such as structural, functional, and spatial information, amino acid conservation, physicochemical variation, residue mobility, and thermodynamic stability) performed at Invitae indicates that this missense variant is not expected to disrupt SCN8A protein function. This variant has not been reported in the literature in individuals affected with SCN8A-related conditions. This sequence change replaces valine, which is neutral and non-polar, with leucine, which is neutral and non-polar, at codon 648 of the SCN8A protein (p.Val648Leu).

NM_001330260.2(SCN8A):c.1942G>C (p.Val648Leu)

Gene: SCN8A (sodium voltage-gated channel alpha subunit 8; plus strand). Cytogenetic location: 12q13.13.
Variant type: single nucleotide variant.
Coding change: c.1942G>C on transcript NM_001330260.2 (MANE Select); coding-DNA position 1942, G replaced by C.
Protein change: p.Val648Leu; replaces valine 648 with leucine.
Molecular consequence: missense variant.
Genome position (GRCh38, 1-based): chr12:51,721,852, G>C. VCF-style: chr12-51721852-G-C. GRCh37 (hg19) VCF-style: chr12-52115636-G-C.
Other names: c.1942G>C, p.Val648Leu (NM_001177984.3, NM_001369788.1, NM_014191.4); short protein forms V648L.
Identifiers: ClinVar variation 2099853 (VCV002099853.4), dbSNP rs1198938905, ClinGen allele CA385229909.